The following is an entry in ClinVar:

NM_001035.3(RYR2):c.5091G>T (p.Leu1697Phe)

Gene: RYR2 (ryanodine receptor 2; plus strand). Cytogenetic location: 1q43.
Variant type: single nucleotide variant.
Coding change: c.5091G>T on transcript NM_001035.3 (MANE Select); coding-DNA position 5091, G replaced by T.
Protein change: p.Leu1697Phe; replaces leucine 1697 with phenylalanine.
Molecular consequence: missense variant.
Genome position (GRCh38, 1-based): chr1:237,614,219, G>T. VCF-style: chr1-237614219-G-T. GRCh37 (hg19) VCF-style: chr1-237777519-G-T.
Other names: short protein forms L1697F.
Identifiers: ClinVar variation 1745281 (VCV001745281.2), dbSNP rs2546791458, ClinGen allele CA345404001.

ClinVar aggregate classification (germline): Uncertain significance (1 of 4 stars; one submission).

Conditions:
Cardiovascular phenotype. Identifiers: MedGen CN230736.

Submission:

Ambry Genetics
Classification: Uncertain significance for Cardiovascular phenotype. Last evaluated: 2022-01-11. Review status: criteria provided, single submitter. Criteria: Ambry Variant Classification Scheme 2023. Collection method: clinical testing. Allele origin: germline.
Comment: The p.L1697F variant (also known as c.5091G>T), located in coding exon 37 of the RYR2 gene, results from a G to T substitution at nucleotide position 5091. The leucine at codon 1697 is replaced by phenylalanine, an amino acid with highly similar properties. This amino acid position is well conserved in available vertebrate species. In addition, the in silico prediction for this alteration is inconclusive. Since supporting evidence is limited at this time, the clinical significance of this alteration remains unclear.